The following is an entry in ClinVar:

ClinVar aggregate classification (germline): Uncertain significance. Review status: criteria provided, multiple submitters, no conflicts (2 of 4 stars). 2 submissions from 2 submitters: Uncertain significance (2). Last evaluated 2024-05-31.

Conditions:
Retinoblastoma (RB1). Also called: RETINOBLASTOMA, SOMATIC. Identifiers: Orphanet 790, MedGen C0035335, MeSH D012175, MONDO:0008380, OMIM 180200, HP:0009919. Disease mechanism: loss of function. Inheritance: Both sporadic and heritable forms are tested..
Hereditary cancer-predisposing syndrome. Also called: Hereditary neoplastic syndrome; Hereditary Cancer Syndrome; Tumor predisposition; Neoplastic Syndromes, Hereditary. Identifiers: Orphanet 140162, MedGen C0027672, MeSH D009386, MONDO:0015356.

Submissions (2):

Ambry Genetics
Classification: Uncertain significance for Hereditary cancer-predisposing syndrome. Last evaluated: 2024-05-31. Review status: criteria provided, single submitter. Criteria: Ambry Variant Classification Scheme 2023. Collection method: clinical testing. Allele origin: germline.
Comment: The p.K417R variant (also known as c.1250A>G), located in coding exon 13 of the RB1 gene, results from an A to G substitution at nucleotide position 1250. The lysine at codon 417 is replaced by arginine, an amino acid with highly similar properties. This amino acid position is conserved. In addition, the in silico prediction for this alteration is inconclusive. Based on the available evidence, the clinical significance of this variant remains unclear.

Labcorp Genetics (formerly Invitae), Labcorp
Classification: Uncertain significance for Retinoblastoma. Last evaluated: 2022-05-01. Review status: criteria provided, single submitter. Criteria: Invitae Variant Classification Sherloc (09022015). Collection method: clinical testing. Allele origin: germline.
Comment: This sequence change replaces lysine, which is basic and polar, with arginine, which is basic and polar, at codon 417 of the RB1 protein (p.Lys417Arg). This variant is not present in population databases (gnomAD no frequency). In summary, the available evidence is currently insufficient to determine the role of this variant in disease. Therefore, it has been classified as a Variant of Uncertain Significance. Algorithms developed to predict the effect of missense changes on protein structure and function (SIFT, PolyPhen-2, Align-GVGD) all suggest that this variant is likely to be disruptive. This variant has not been reported in the literature in individuals affected with RB1-related conditions.

NM_000321.3(RB1):c.1250A>G (p.Lys417Arg)

Gene: RB1 (RB transcriptional corepressor 1; plus strand). Cytogenetic location: 13q14.2.
Variant type: single nucleotide variant.
Coding change: c.1250A>G on transcript NM_000321.3 (MANE Select); coding-DNA position 1250, A replaced by G.
Protein change: p.Lys417Arg; replaces lysine 417 with arginine.
Molecular consequence: missense variant.
Genome position (GRCh38, 1-based): chr13:48,376,952, A>G. VCF-style: chr13-48376952-A-G. GRCh37 (hg19) VCF-style: chr13-48951088-A-G.
Other names: c.1250A>G, p.Lys417Arg (NM_001407165.1, NM_001407166.1); short protein forms K417R.
Identifiers: ClinVar variation 2132465 (VCV002132465.5), dbSNP rs2542198893, ClinGen allele CA388162009.